The following is an entry in ClinVar:

ClinVar aggregate classification (germline): Uncertain significance. Review status: criteria provided, multiple submitters, no conflicts (2 of 4 stars). 3 submissions from 3 submitters: Uncertain significance (3). Last evaluated 2025-10-28.

Conditions:
Cardiovascular phenotype. Identifiers: MedGen CN230736.
Hereditary cancer-predisposing syndrome. Also called: Neoplastic Syndromes, Hereditary; Tumor predisposition; Hereditary neoplastic syndrome; Hereditary Cancer Syndrome. Identifiers: Orphanet 140162, MedGen C0027672, MeSH D009386, MONDO:0015356.
Neurofibromatosis, type 1 (NF1). Also called: VON RECKLINGHAUSEN DISEASE; NEUROFIBROMATOSIS, TYPE I, SOMATIC; Peripheral type neurofibromatosis; Neurofibromatosis, type I. Identifiers: Orphanet 636, MedGen C0027831, MONDO:0018975, OMIM 162200. Disease mechanism: loss of function.

Submissions (3):

Ambry Genetics
Classification: Uncertain significance for Cardiovascular phenotype; Hereditary cancer-predisposing syndrome. Last evaluated: 2025-10-28. Review status: criteria provided, single submitter. Criteria: Ambry Variant Classification Scheme 2023. Collection method: clinical testing. Allele origin: germline.
Comment: The p.H1697Y variant (also known as c.5089C>T), located in coding exon 36 of the NF1 gene, results from a C to T substitution at nucleotide position 5089. The histidine at codon 1697 is replaced by tyrosine, an amino acid with similar properties. This amino acid position is highly conserved in available vertebrate species. In addition, this alteration is predicted to be tolerated by in silico analysis. Since supporting evidence is limited at this time, the clinical significance of this alteration remains unclear.

Labcorp Genetics (formerly Invitae), Labcorp
Classification: Uncertain significance for Neurofibromatosis, type 1. Last evaluated: 2024-05-16. Review status: criteria provided, single submitter. Criteria: Invitae Variant Classification Sherloc (09022015). Collection method: clinical testing. Allele origin: germline.
Comment: This sequence change replaces histidine, which is basic and polar, with tyrosine, which is neutral and polar, at codon 1697 of the NF1 protein (p.His1697Tyr). This variant is not present in population databases (gnomAD no frequency). This variant has not been reported in the literature in individuals affected with NF1-related conditions. ClinVar contains an entry for this variant (Variation ID: 527505). Advanced modeling of protein sequence and biophysical properties (such as structural, functional, and spatial information, amino acid conservation, physicochemical variation, residue mobility, and thermodynamic stability) performed at Invitae indicates that this missense variant is not expected to disrupt NF1 protein function with a negative predictive value of 95%. In summary, the available evidence is currently insufficient to determine the role of this variant in disease. Therefore, it has been classified as a Variant of Uncertain Significance.

Quest Diagnostics Nichols Institute San Juan Capistrano
Classification: Uncertain significance. Last evaluated: 2024-02-06. Review status: criteria provided, single submitter. Criteria: Quest Diagnostics criteria. Collection method: clinical testing. Allele origin: unknown.

NM_001042492.3(NF1):c.5152C>T (p.His1718Tyr)

Gene: NF1 (neurofibromin 1; plus strand). Cytogenetic location: 17q11.2.
Variant type: single nucleotide variant.
Coding change: c.5152C>T on transcript NM_001042492.3 (MANE Select); coding-DNA position 5152, C replaced by T.
Protein change: p.His1718Tyr; replaces histidine 1718 with tyrosine.
Molecular consequence: missense variant.
Genome position (GRCh38, 1-based): chr17:31,326,136, C>T. VCF-style: chr17-31326136-C-T. GRCh37 (hg19) VCF-style: chr17-29653154-C-T.
Other names: c.5089C>T, p.His1697Tyr (NM_000267.4); short protein forms H1697Y, H1718Y.
Identifiers: ClinVar variation 527505 (VCV000527505.10), dbSNP rs1555533381, ClinGen allele CA399007812.
Genomic context (GRCh38, chr17:31,326,136, plus strand): 5'-ACTGGCCTCAAAGGTAGCAAAAGGCTTGTTTTCATAGACTGTCCTGGGAAACTGGCTGAG[C>T]ACATAGAGCATGAACAACAGAAACTACCTGCTGCCACCTTGGCTTTAGAAGAGGACCTGA-3'
Protein context (NP_001035957.1, residues 1708-1728): FIDCPGKLAE[His1718Tyr]IEHEQQKLPA